The following is an entry in ClinVar:

ClinVar aggregate classification (germline): Uncertain significance (1 of 4 stars; one submission).

Conditions:
Amyotrophic lateral sclerosis type 15. Also called: AMYOTROPHIC LATERAL SCLEROSIS 15 WITH FRONTOTEMPORAL DEMENTIA. Identifiers: Orphanet 803, MedGen C3275459, MONDO:0010459, OMIM 300857.

Submission:

Labcorp Genetics (formerly Invitae), Labcorp
Classification: Uncertain significance for Amyotrophic lateral sclerosis type 15. Last evaluated: 2024-03-18. Review status: criteria provided, single submitter. Criteria: Invitae Variant Classification Sherloc (09022015). Collection method: clinical testing. Allele origin: germline.
Comment: This sequence change replaces glycine, which is neutral and non-polar, with arginine, which is basic and polar, at codon 531 of the UBQLN2 protein (p.Gly531Arg). This variant is not present in population databases (gnomAD no frequency). This variant has not been reported in the literature in individuals affected with UBQLN2-related conditions. Experimental studies and prediction algorithms are not available or were not evaluated, and the functional significance of this variant is currently unknown. In summary, the available evidence is currently insufficient to determine the role of this variant in disease. Therefore, it has been classified as a Variant of Uncertain Significance.

NM_013444.4(UBQLN2):c.1591G>C (p.Gly531Arg)

Gene: UBQLN2 (ubiquilin 2; plus strand). Cytogenetic location: Xp11.21.
Variant type: single nucleotide variant.
Coding change: c.1591G>C on transcript NM_013444.4 (MANE Select); coding-DNA position 1591, G replaced by C.
Protein change: p.Gly531Arg; replaces glycine 531 with arginine.
Molecular consequence: missense variant.
Genome position (GRCh38, 1-based): chrX:56,565,464, G>C. VCF-style: chrX-56565464-G-C. GRCh37 (hg19) VCF-style: chrX-56591897-G-C.
Other names: short protein forms G531R.
Identifiers: ClinVar variation 3691967 (VCV003691967.2).